The following is an entry in ClinVar:

NM_003000.3(SDHB):c.649C>T (p.Arg217Cys)

Gene: SDHB (succinate dehydrogenase complex iron sulfur subunit B; minus strand). Cytogenetic location: 1p36.13.
Variant type: single nucleotide variant.
Coding change: c.649C>T on transcript NM_003000.3 (MANE Select); coding-DNA position 649, C replaced by T.
Protein change: p.Arg217Cys; replaces arginine 217 with cysteine.
Molecular consequence: missense variant.
Genome position (GRCh38, 1-based): chr1:17,022,724, G>A on the plus strand (C>T on the coding strand, the complement: SDHB is on the minus strand). VCF-style: chr1-17022724-G-A. GRCh37 (hg19) VCF-style: chr1-17349219-G-A.
Other names: short protein forms R217C.
Identifiers: ClinVar variation 183735 (VCV000183735.69), dbSNP rs200245469, ClinGen allele CA016064.

ClinVar aggregate classification (germline): Pathogenic/Likely pathogenic. Review status: criteria provided, multiple submitters, no conflicts (2 of 4 stars). 15 submissions from 15 submitters: Pathogenic (2); Likely pathogenic (11). 2 of the submissions do not count toward it. Last evaluated 2026-02-26.

Conditions:
Mitochondrial complex 2 deficiency, nuclear type 4. Also called: MITOCHONDRIAL COMPLEX II DEFICIENCY, NUCLEAR TYPE 4. Identifiers: MedGen C5543176, MONDO:0030974, OMIM 619224.
Gastrointestinal stromal tumor. Also called: Gastrointestinal stroma tumor; Gastrointestinal stromal tumor, somatic. Identifiers: Orphanet 44890, MedGen C0238198, MeSH D046152, MONDO:0011719, OMIM 606764, HP:0100723.
Pheochromocytoma. Also called: MAX-Related Hereditary Paraganglioma-Pheochromocytoma Syndrome. Identifiers: Orphanet 29072, MedGen C0031511, MONDO:0008233, OMIM 171300, HP:0002666.
Pheochromocytoma/paraganglioma syndrome 4. Also called: SDHB-Related Hereditary Paraganglioma-Pheochromocytoma Syndrome (Paragangliomas 4); CAROTID BODY TUMORS AND MULTIPLE EXTRAADRENAL PHEOCHROMOCYTOMAS; SDHB-Related Hereditary Paraganglioma-Pheochromocytoma Syndrome; PARAGANGLIOMA, FAMILIAL MALIGNANT; PARAGANGLIOMAS, HEREDITARY EXTRAADRENAL; PHEOCHROMOCYTOMA, FAMILIAL EXTRAADRENAL. Identifiers: Orphanet 29072, MedGen C1861848, MONDO:0007273, OMIM 115310.
Hereditary cancer-predisposing syndrome. Also called: Tumor predisposition; Neoplastic Syndromes, Hereditary; Hereditary Cancer Syndrome; Hereditary neoplastic syndrome. Identifiers: Orphanet 140162, MedGen C0027672, MeSH D009386, MONDO:0015356.
Hereditary pheochromocytoma and paraganglioma. Also called: Hereditary paragangliomas and pheochromocytomas; Hereditary Paraganglioma-Pheochromocytoma Syndromes; Hereditary pheochromocytoma-paraganglioma. Identifiers: Orphanet 29072, MedGen C4274332, MONDO:0017366.

Allele frequency attached by ClinVar (database versions not stated): TOPMed below 0.00001; gnomAD 0.00001.

Submissions 1 to 11 of 15:

Myriad Genetics, Inc.
Classification: Likely pathogenic for Pheochromocytoma/paraganglioma syndrome 4. Last evaluated: 2026-02-26. Review status: criteria provided, single submitter. Criteria: Myriad Autosomal Dominant, Autosomal Recessive and X-Linked Classification Criteria (2023). Collection method: clinical testing. Allele origin: unknown.
Comment: This variant is considered likely pathogenic. This variant has been reported in multiple individuals with clinical features of gene-specific disease [PMID: 31212687, 32462735, 33748650, 31216007, 19351833]. Functional studies indicate this variant impacts protein function [PMID: 41252211].

Labcorp Genetics (formerly Invitae), Labcorp
Classification: Pathogenic for Gastrointestinal stromal tumor; Pheochromocytoma/paraganglioma syndrome 4; Pheochromocytoma. Last evaluated: 2025-11-25. Review status: criteria provided, single submitter. Criteria: Invitae Variant Classification Sherloc (09022015). Collection method: clinical testing. Allele origin: germline.
Comment: This sequence change replaces arginine, which is basic and polar, with cysteine, which is neutral and slightly polar, at codon 217 of the SDHB protein (p.Arg217Cys). This variant is present in population databases (rs200245469, gnomAD 0.06%). This missense change has been observed in individuals with paraganglioma-pheochromocytoma syndromes (PMID: 18753105, 19351833, 19454582, 19802898, 23735539, 24659481, 25047027, 26960314). ClinVar contains an entry for this variant (Variation ID: 183735). Invitae Evidence Modeling of protein sequence and biophysical properties (such as structural, functional, and spatial information, amino acid conservation, physicochemical variation, residue mobility, and thermodynamic stability) indicates that this missense variant is expected to disrupt SDHB protein function with a positive predictive value of 80%. For these reasons, this variant has been classified as Pathogenic.

Color Diagnostics, LLC DBA Color Health
Classification: Likely pathogenic for Hereditary pheochromocytoma and paraganglioma. Last evaluated: 2025-06-10. Review status: criteria provided, single submitter. Criteria: ACMG Guidelines, 2015. Collection method: clinical testing. Allele origin: germline.
Comment: This missense variant replaces arginine with cysteine at codon 217 of the SDHB protein. Computational prediction suggests that this variant may have deleterious impact on protein structure and function. Functional analysis on an immortalized cell line from a variant carrier showed reduced SDHB protein expression by western blot, inhibition of proliferation and altered metabolite profiles in metformin-treated cells (PMID: 34118692). This variant has been reported in more than 10 individuals and families affected with paraganglioma and/or pheochromocytoma (PMID: 18382370, 18753105, 19454582, 19351833, 19802898, 21561462, 24659481, 23735539, 26960314, 27573198, 29386252, 29951630, 30050099, 30201732, 31212687, 31216007, 32462735, 33748650, 34118692, 34439371, 34439168). This variant has not been identified in the general population by the Genome Aggregation Database (gnomAD). Based on the available evidence, this variant is classified as Likely Pathogenic.

GeneDx
Classification: Likely pathogenic. Last evaluated: 2025-05-12. Review status: criteria provided, single submitter. Criteria: GeneDx Variant Classification Process June 2021. Collection method: clinical testing. Allele origin: germline. Affected: yes.
Comment: Not observed at significant frequency in large population cohorts (gnomAD); In silico analysis supports that this missense variant has a deleterious effect on protein structure/function; This variant is associated with the following publications: (PMID: 26960314, 23735539, 28503760, 19454582, 17487275, 19802898, 25047027, 27573198, 24659481, 19522823, 16080530, 18382370, 18753105, 21561462, 19351833, 22517557, 29386252, 28490599, 29951630, 34439371, 30201732, 34439168, 32741965, 31212687, 31492822, 33748650, 30050099, 34906457, 35988656, 37873498, 35171114)

Center for Genomic Medicine, Rigshospitalet, Copenhagen University Hospital
Classification: Likely pathogenic. Last evaluated: 2025-01-25. Review status: criteria provided, single submitter. Criteria: ACMG Guidelines, 2015. Collection method: clinical testing. Allele origin: germline.

Ambry Genetics
Classification: Pathogenic for Hereditary cancer-predisposing syndrome. Last evaluated: 2024-01-08. Review status: criteria provided, single submitter. Criteria: Ambry Variant Classification Scheme 2023. Collection method: clinical testing. Allele origin: germline.
Comment: The p.R217C pathogenic mutation(also known as c.649C>T), located in coding exon 7 of the SDHB gene, results from a C to T substitution at nucleotide position 649. The arginine at codon 217 is replaced by cysteine, an amino acid with highly dissimilar properties. This alteration has been identified in the germline and/or tumor of numerous individuals with paragangliomas (PGL) (Klein RD et al. Diagn Mol Pathol. 2008;17(2):94-100; Burnichon N et al. J Clin Endocrinol Metab. 2009;94(8):2817-27; Pasini B et al. J. Intern. Med. 2009 Jul; 266(1):19-42; Kimura N et al. Endocr. Relat. Cancer 2014 Jun; 21(3):L13-6; Pat&oacute;cs A et al. Pathol. Oncol. Res. 2016 Oct;22(4):673-9; Niemeijer ND et al. Eur. J. Endocrinol., 2017 Aug;177:115-125; Andrews KA et al. J. Med. Genet., 2018 06;55:384-394; Rijken JA et al. BJS Open, 2018 Apr;2:62-69; Richter S et al. Genet. Med., 2019 03;21:705-717; Ambry Internal Data). In one study of nearly 600 patients with head and neck PGL, p.R217C was detected in two individuals, and a second alteration at the same codon, p.R217L, was detected in another individual (Neumann HP et al. Cancer Res. 2009 Apr; 69(8):3650-6). This amino acid position is highly conserved in available vertebrate species. In addition, this alteration is predicted to be deleterious by in silico analysis. Based on the supporting evidence, this alteration is interpreted as a disease-causing mutation.

All of Us Research Program, National Institutes of Health
Classification: Likely pathogenic for Hereditary pheochromocytoma and paraganglioma. Last evaluated: 2023-04-27. Review status: criteria provided, single submitter. Criteria: ACMG Guidelines, 2015. Collection method: clinical testing. Allele origin: germline. Inheritance: Autosomal dominant inheritance. Observed: 1 variant allele, 1 heterozygote.
Comment: The c.649C>T (p.Arg217Cys) variant in the SDHB gene is located on the exon 7 and is predicted to replace arginine with cysteine at codon 217 (p.Arg217Cys). The variant has been reported in more than 10 unrelated individuals affected with paragangliomas (PMID: 33748650, 34439371, 30658386, 16080530, 24659481, 31212687, 29386252, 29951630). Experimental study from the paraganglioma patient cells indicates that this variant promotes tumorigenesis (PMID: 34118692). The variant is reported in ClinVar as pathogenic or likely pathogenic by multiple submitters (ID: 183735). The variant is absent in the general population according to the gnomAD database. Computational prediction algorithms suggest a deleterious impact for this variant (REVEL score 0.988). Therefore, the c.649C>T (p.Arg217Cys) variant of SDHB has been classified as likely pathogenic.

This study involves interpretation of variants in research participants for the purpose of population health screening. Participant phenotype was not available at the time of variant classification. Additional details can be found in publication PMID: 35346344, PMCID: PMC8962531

Baylor Genetics
Classification: Likely pathogenic for Gastrointestinal stromal tumor. Last evaluated: 2022-08-24. Review status: criteria provided, single submitter. Criteria: ACMG Guidelines, 2015. Collection method: clinical testing. Allele origin: unknown.

Genetics and Molecular Pathology, SA Pathology
Classification: Likely pathogenic for Hereditary pheochromocytoma and paraganglioma. Last evaluated: 2022-04-14. Review status: criteria provided, single submitter. Criteria: ACMG Guidelines, 2015. Collection method: clinical testing. Allele origin: germline. Affected: yes.

Genetics and Genomic Medicine Centre, NeuroGen Healthcare, NeuroGen Healthcare
Classification: Likely pathogenic for Mitochondrial complex 2 deficiency, nuclear type 4. Last evaluated: 2022-03-19. Review status: criteria provided, single submitter. Criteria: Submitter's publication. Collection method: clinical testing. Allele origin: unknown. Affected: no.

Institute for Clinical Genetics, University Hospital TU Dresden, University Hospital TU Dresden
Classification: Likely pathogenic. Last evaluated: 2021-11-03. Review status: criteria provided, single submitter. Criteria: ACMG Guidelines, 2015. Collection method: clinical testing. Allele origin: germline.